The following is an entry in ClinVar:

NM_000362.5(TIMP3):c.*2820G>A

Genes: SYN3 (synapsin III; minus strand), TIMP3 (TIMP metallopeptidase inhibitor 3; plus strand). Cytogenetic location: 22q12.3.
Variant type: single nucleotide variant.
Coding change: c.*2820G>A on transcript NM_000362.5 (MANE Select); 2820 bases downstream of the stop codon, G replaced by A.
Molecular consequence: 3 prime UTR variant. On other transcripts: intron variant (7).
Genome position (GRCh38, 1-based): chr22:32,862,197, G>A. VCF-style: chr22-32862197-G-A. GRCh37 (hg19) VCF-style: chr22-33258184-G-A.
Other names: c.708+2718C>T (NM_001369909.1, NM_001135774.2, NM_001369910.1); c.711+2718C>T (NM_001369907.1, NM_003490.4, NM_001369908.1 and 1 more transcripts).
Identifiers: ClinVar variation 341396 (VCV000341396.5), dbSNP rs184643956, ClinGen allele CA10645398.

ClinVar aggregate classification (germline): Likely benign (1 of 4 stars; one submission).

Conditions:
Sorsby fundus dystrophy (SFD). Also called: MACULAR DYSTROPHY, HEMORRHAGIC; Sorsby fundus dystrophy, Lavia type; FUNDUS DYSTROPHY, PSEUDOINFLAMMATORY, OF SORSBY. Identifiers: Orphanet 59181, MedGen C1850938, MONDO:0007640, OMIM 136900.

Allele frequency attached by ClinVar (database versions not stated): 1000 Genomes Project 30x 0.00031; TOPMed 0.00074; gnomAD 0.00076 and 0.00080; 1000 Genomes Project 0.00200.

Submission:

Illumina Laboratory Services, Illumina
Classification: Likely benign for Sorsby fundus dystrophy. Last evaluated: 2017-04-28. Review status: criteria provided, single submitter. Criteria: ICSL Variant Classification Criteria 13 December 2019. Collection method: clinical testing. Allele origin: germline.
Comment: This variant was observed as part of a predisposition screen in an ostensibly healthy population. A literature search was performed for the gene, cDNA change, and amino acid change (where applicable). No publications were found based on this search. Allele frequency data from public databases allowed determination this variant is unlikely to cause disease. Therefore, this variant is classified as likely benign.